The following is an entry in ClinVar:

ClinVar aggregate classification (germline): Pathogenic. Review status: criteria provided, multiple submitters, no conflicts (2 of 4 stars). 2 submissions from 2 submitters: Pathogenic (2). Last evaluated 2025-05-16.

Conditions:
Neurofibromatosis, type 1 (NF1). Also called: Neurofibromatosis, type I; NEUROFIBROMATOSIS, TYPE I, SOMATIC; Peripheral type neurofibromatosis; VON RECKLINGHAUSEN DISEASE. Identifiers: Orphanet 636, MedGen C0027831, MONDO:0018975, OMIM 162200. Disease mechanism: loss of function.
Hereditary cancer-predisposing syndrome. Also called: Hereditary neoplastic syndrome; Neoplastic Syndromes, Hereditary; Hereditary Cancer Syndrome; Tumor predisposition. Identifiers: Orphanet 140162, MedGen C0027672, MeSH D009386, MONDO:0015356.
Cardiovascular phenotype. Identifiers: MedGen CN230736.

Submissions (2):

Ambry Genetics
Classification: Pathogenic for Cardiovascular phenotype; Hereditary cancer-predisposing syndrome. Last evaluated: 2025-05-16. Review status: criteria provided, single submitter. Criteria: Ambry Variant Classification Scheme 2023. Collection method: clinical testing. Allele origin: germline.
Comment: The c.144delA pathogenic mutation, located in coding exon 2 of the NF1 gene, results from a deletion of one nucleotide at nucleotide position 144, causing a translational frameshift with a predicted alternate stop codon (p.K48Nfs*8). This variant is considered to be rare based on population cohorts in the Genome Aggregation Database (gnomAD). This alteration is expected to result in loss of function by premature protein truncation or nonsense-mediated mRNA decay. As such, this alteration is interpreted as a disease-causing mutation.

Labcorp Genetics (formerly Invitae), Labcorp
Classification: Pathogenic for Neurofibromatosis, type 1. Last evaluated: 2023-06-16. Review status: criteria provided, single submitter. Criteria: Invitae Variant Classification Sherloc (09022015). Collection method: clinical testing. Allele origin: germline.
Comment: This sequence change creates a premature translational stop signal (p.Lys48Asnfs*8) in the NF1 gene. It is expected to result in an absent or disrupted protein product. Loss-of-function variants in NF1 are known to be pathogenic (PMID: 10712197, 23913538). This variant is not present in population databases (gnomAD no frequency). This variant has not been reported in the literature in individuals affected with NF1-related conditions. For these reasons, this variant has been classified as Pathogenic.

Literature cited by the submitters: PubMed 10712197 (cited by Labcorp Genetics (formerly Invitae), Labcorp); PubMed 23913538 (cited by Labcorp Genetics (formerly Invitae), Labcorp).

NM_001042492.3(NF1):c.144del (p.Lys48fs)

Gene: NF1 (neurofibromin 1; plus strand). Cytogenetic location: 17q11.2.
Variant type: Deletion.
Coding change: c.144del on transcript NM_001042492.3 (MANE Select); coding-DNA position 144, one base deleted (A; older notation c.144delA).
Protein change: p.Lys48fs; shifts the reading frame from lysine 48.
Molecular consequence: frameshift variant.
Genome position (GRCh38, 1-based): chr17:31,156,066, A deleted; the last of 3 consecutive A bases (chr17:31,156,064-31,156,066); deleting any one gives the same sequence. VCF-style (leftmost placement, unchanged base first): chr17-31156063-CA-C. GRCh37 (hg19) VCF-style: chr17-29483081-CA-C.
Other names: c.144delA (NM_000267.3); c.144delA, p.Lys48Asnfs (NM_000267.4); c.144del, p.Lys48fs (NM_001128147.3); short protein forms K48fs.
Identifiers: ClinVar variation 2717145 (VCV002717145.4), dbSNP rs2544681358, ClinGen allele CA2697559525.